The following is an entry in ClinVar:

ClinVar aggregate classification (germline): Likely benign. Review status: criteria provided, multiple submitters, no conflicts (2 of 4 stars). 2 submissions from 2 submitters: Likely benign (2). Last evaluated 2026-01-12.

Conditions:
SZT2-related disorder. Also called: SZT2-related condition.

Allele frequency attached by ClinVar (database versions not stated): gnomAD exomes below 0.00001 and 0.00001; gnomAD 0.00003; TOPMed 0.00003; ESP Exome Variant Server 0.00008.
gnomAD v4.1: 12 of 1,614,092 alleles (0.00074%); highest among the groups gnomAD compares: Non-Finnish European, 0.001%; no homozygotes.

Submissions (2):

Labcorp Genetics (formerly Invitae), Labcorp
Classification: Likely benign. Last evaluated: 2026-01-12. Review status: criteria provided, single submitter. Criteria: Invitae Variant Classification Sherloc (09022015). Collection method: clinical testing. Allele origin: germline.

PreventionGenetics, part of Exact Sciences
Classification: Likely benign for SZT2-related condition. Last evaluated: 2025-07-03. Review status: criteria provided, single submitter. Criteria: ACMG Guidelines, 2015. Collection method: clinical testing. Allele origin: germline.
Comment: This variant is classified as likely benign based on ACMG/AMP sequence variant interpretation guidelines (Richards et al. 2015 PMID: 25741868, with internal and published modifications).

NM_001365999.1(SZT2):c.6768T>C (p.Asp2256=)

Gene: SZT2 (SZT2 subunit of KICSTOR complex; plus strand). Cytogenetic location: 1p34.2.
Variant type: single nucleotide variant.
Coding change: c.6768T>C on transcript NM_001365999.1 (MANE Select); coding-DNA position 6768, T replaced by C.
Protein change: p.Asp2256=; no amino-acid change (aspartic acid 2256 retained).
Molecular consequence: synonymous variant.
Genome position (GRCh38, 1-based): chr1:43,439,069, T>C. VCF-style: chr1-43439069-T-C. GRCh37 (hg19) VCF-style: chr1-43904740-T-C.
Other names: c.6597T>C, p.Asp2199= (NM_015284.4).
Identifiers: ClinVar variation 701269 (VCV000701269.9), dbSNP rs137968835, ClinGen allele CA21644642.